The following is an entry in ClinVar:

ClinVar aggregate classification (germline): Uncertain significance (1 of 4 stars; one submission).

Conditions:
Congenital muscular dystrophy due to integrin alpha-7 deficiency. Also called: MYOPATHY, CONGENITAL, DUE TO INTEGRIN ALPHA-7 DEFICIENCY; Congenital muscular dystrophy with integrin alpha-7 deficiency; Muscular dystrophy, congenital, due to ITGA7 deficiency. Identifiers: Orphanet 34520, MedGen C2750786, MONDO:0013177, OMIM 613204.

Submission:

Labcorp Genetics (formerly Invitae), Labcorp
Classification: Uncertain significance for Congenital muscular dystrophy due to integrin alpha-7 deficiency. Last evaluated: 2021-12-23. Review status: criteria provided, single submitter. Criteria: Invitae Variant Classification Sherloc (09022015). Collection method: clinical testing. Allele origin: germline.
Comment: This variant has not been reported in the literature in individuals affected with ITGA7-related conditions. In summary, the available evidence is currently insufficient to determine the role of this variant in disease. Therefore, it has been classified as a Variant of Uncertain Significance. This sequence change replaces alanine, which is neutral and non-polar, with glycine, which is neutral and non-polar, at codon 530 of the ITGA7 protein (p.Ala530Gly). This variant is not present in population databases (gnomAD no frequency). Algorithms developed to predict the effect of missense changes on protein structure and function output the following: SIFT: "Tolerated"; PolyPhen-2: "Benign"; Align-GVGD: "Class C0". The glycine amino acid residue is found in multiple mammalian species, which suggests that this missense change does not adversely affect protein function.

NM_002206.3(ITGA7):c.1589C>G (p.Ala530Gly)

Gene: ITGA7 (integrin subunit alpha 7; minus strand). Cytogenetic location: 12q13.2.
Variant type: single nucleotide variant.
Coding change: c.1589C>G on transcript NM_002206.3 (MANE Select); coding-DNA position 1589, C replaced by G.
Protein change: p.Ala530Gly; replaces alanine 530 with glycine.
Molecular consequence: missense variant.
Genome position (GRCh38, 1-based): chr12:55,697,047, G>C on the plus strand (C>G on the coding strand, the complement: ITGA7 is on the minus strand). VCF-style: chr12-55697047-G-C. GRCh37 (hg19) VCF-style: chr12-56090831-G-C.
Other names: c.1601C>G, p.Ala534Gly (NM_001144996.2); c.1310C>G, p.Ala437Gly (NM_001144997.2); c.1262C>G, p.Ala421Gly (NM_001367993.1); c.245C>G, p.Ala82Gly (NM_001367994.1); c.1571C>G, p.Ala524Gly (NM_001374465.1); c.1721C>G, p.Ala574Gly (NM_001410977.1); c.1583C>G, p.Ala528Gly (NM_001414029.1); c.1514C>G, p.Ala505Gly (NM_001414030.1); and 5 more; short protein forms A417G, A501G, A530G, A534G, A437G, A421G, A469G, A490G.
Identifiers: ClinVar variation 2055927 (VCV002055927.4), dbSNP rs200267194, ClinGen allele CA385188543.